The following is an entry in ClinVar:

ClinVar aggregate classification (germline): Uncertain significance. Review status: criteria provided, single submitter (1 of 4 stars). 2 submissions from 2 submitters: Uncertain significance (1). 1 of the submissions does not count toward it. Last evaluated 2022-08-16.

Conditions:
KPNA7-related disorder. Also called: KPNA7-related condition.

Allele frequency attached by ClinVar (database versions not stated): gnomAD 0.00003 and 0.00004; TOPMed 0.00003; ExAC 0.00005; gnomAD exomes 0.00009.

Submissions (2):

Labcorp Genetics (formerly Invitae), Labcorp
Classification: Uncertain significance. Last evaluated: 2022-08-16. Review status: criteria provided, single submitter. Criteria: Invitae Variant Classification Sherloc (09022015). Collection method: clinical testing. Allele origin: germline.
Comment: This sequence change affects codon 212 of the KPNA7 mRNA. It is a 'silent' change, meaning that it does not change the encoded amino acid sequence of the KPNA7 protein. This variant also falls at the last nucleotide of exon 5, which is part of the consensus splice site for this exon. This variant is present in population databases (rs760702690, gnomAD 0.08%). This variant has not been reported in the literature in individuals affected with KPNA7-related conditions. ClinVar contains an entry for this variant (Variation ID: 1419644). Variants that disrupt the consensus splice site are a relatively common cause of aberrant splicing (PMID: 17576681, 9536098). Algorithms developed to predict the effect of sequence changes on RNA splicing suggest that this variant is not likely to affect RNA splicing. In summary, the available evidence is currently insufficient to determine the role of this variant in disease. Therefore, it has been classified as a Variant of Uncertain Significance.

PreventionGenetics, part of Exact Sciences
Classification: Likely benign for KPNA7-related condition. Last evaluated: 2024-06-20. Review status: no assertion criteria provided. Collection method: clinical testing. Allele origin: germline. Not counted in ClinVar's aggregate classification.
Comment: This variant is classified as likely benign based on ACMG/AMP sequence variant interpretation guidelines (Richards et al. 2015 PMID: 25741868, with internal and published modifications).

Literature cited by the submitters: PubMed 17576681 (cited by Labcorp Genetics (formerly Invitae), Labcorp); PubMed 9536098 (cited by Labcorp Genetics (formerly Invitae), Labcorp).

NM_001145715.3(KPNA7):c.636G>A (p.Pro212=)

Gene: KPNA7 (karyopherin subunit alpha 7; minus strand). Cytogenetic location: 7q22.1.
Variant type: single nucleotide variant.
Coding change: c.636G>A on transcript NM_001145715.3 (MANE Select); coding-DNA position 636, G replaced by A.
Protein change: p.Pro212=; no amino-acid change (proline 212 retained).
Molecular consequence: synonymous variant.
Genome position (GRCh38, 1-based): chr7:99,193,019, C>T on the plus strand (G>A on the coding strand, the complement: KPNA7 is on the minus strand). VCF-style: chr7-99193019-C-T. GRCh37 (hg19) VCF-style: chr7-98790642-C-T.
Other names: c.636G>A (NM_001145715.2).
Identifiers: ClinVar variation 1419644 (VCV001419644.4), dbSNP rs760702690, ClinGen allele CA4363224.
Genomic context (GRCh38, chr7:99,193,019, plus strand): 5'-TTAAGATTATTTTAAAATTTTAATTTAAAAAAAAAAAAAGAGAAAGAAAAAGACACTTAC[C>T]GGCAGGGTGGGTGAAATCAAGGCTAGGAGATGTGGGATGGCATTGCTTGTGATGACGTTA-3'
Protein context (NP_001139187.1, residues 202-222): HLLALISPTL[Pro212=]ITFLRNITWT